The following is an entry in ClinVar:

NM_000138.5(FBN1):c.2743G>A (p.Glu915Lys)

Gene: FBN1 (fibrillin 1; minus strand). Cytogenetic location: 15q21.1.
Variant type: single nucleotide variant.
Coding change: c.2743G>A on transcript NM_000138.5 (MANE Select); coding-DNA position 2743, G replaced by A.
Protein change: p.Glu915Lys; replaces glutamic acid 915 with lysine.
Molecular consequence: missense variant.
Genome position (GRCh38, 1-based): chr15:48,492,572, C>T on the plus strand (G>A on the coding strand, the complement: FBN1 is on the minus strand). VCF-style: chr15-48492572-C-T. GRCh37 (hg19) VCF-style: chr15-48784769-C-T.
Other names: short protein forms E915K.
Identifiers: ClinVar variation 402849 (VCV000402849.35), dbSNP rs746834413, ClinGen allele CA048786.
Genomic context (GRCh38, chr15:48,492,572, plus strand): 5'-ACTTGAATGACCCCCTAGTGTTAACACACAGGCCATTTTTACACACTCCTGGGAACACTT[C>T]ACATTCATCTATATCTAAAAAGAAAAAAAAAGTATAAAGTTAATATATCTTTATAATATC-3'
Protein context (NP_000129.3, residues 905-925): GTQCEDIDEC[Glu915Lys]VFPGVCKNGL

ClinVar aggregate classification (germline): Uncertain significance. Review status: criteria provided, multiple submitters, no conflicts (2 of 4 stars). 7 submissions from 7 submitters: Uncertain significance (7). Last evaluated 2025-10-29.

Conditions:
Weill-Marchesani syndrome 2, dominant. Also called: FBN1-Related Weill-Marchesani Syndrome; Weill-Marchesani Syndrome, Autosomal Dominant. Identifiers: Orphanet 2084, MedGen C1869115, MONDO:0012013, OMIM 608328.
Geleophysic dysplasia 2 (GPHYSD2). Identifiers: Orphanet 2623, MedGen C3280054, MONDO:0013612, OMIM 614185.
Ectopia lentis 1, isolated, autosomal dominant (ECTOL1). Identifiers: Orphanet 1885, MedGen C3541518, MONDO:0007514, OMIM 129600.
Marfan syndrome (MFS). Also called: Marfan syndrome, classic; Marfan syndrome type 1; Marfan's syndrome; MARFAN SYNDROME, TYPE I; FBN1-Related Marfan Syndrome. Identifiers: Orphanet 284963, Orphanet 558, MedGen C0024796, MONDO:0007947, OMIM 154700.
MASS syndrome (OCTD). Also called: OVERLAP CONNECTIVE TISSUE DISEASE; MASS PHENOTYPE. Identifiers: MedGen C1858556, MONDO:0011431, OMIM 604308.
Stiff skin syndrome (SSKS). Identifiers: Orphanet 2833, MedGen C1861456, MONDO:0008492, OMIM 184900.
Progeroid and marfanoid aspect-lipodystrophy syndrome. Also called: MARFANOID-PROGEROID SYNDROME; MARFAN-PROGEROID-LIPODYSTROPHY SYNDROME; Marfan lipodystrophy syndrome; MARFANOID-PROGEROID-LIPODYSTROPHY SYNDROME. Identifiers: Orphanet 300382, MedGen C4310796, MONDO:0014831, OMIM 616914.
Acromicric dysplasia (ACMICD). Also called: Acromicric skeletal dysplasia. Identifiers: Orphanet 969, MedGen C0265287, MONDO:0007055, OMIM 102370.
Familial thoracic aortic aneurysm and aortic dissection (TAAD). Also called: Thoracic aortic aneurysms and dissections. Identifiers: Orphanet 91387, MedGen C4707243, MONDO:0019625.

Allele frequency attached by ClinVar (database versions not stated): gnomAD exomes below 0.00001; ExAC 0.00001; TOPMed 0.00001.
gnomAD v4.1: 2 of 1,604,266 alleles (0.00012%); highest among the groups gnomAD compares: Non-Finnish European, 0.00017%; no homozygotes.

Submissions (7):

GeneDx
Classification: Uncertain significance. Last evaluated: 2025-10-29. Review status: criteria provided, single submitter. Criteria: GeneDx Variant Classification Process June 2021. Collection method: clinical testing. Allele origin: germline. Affected: yes.
Comment: Reported in association with aortic aneurysm but additional clinical information was not provided (PMID: 17418587); Not observed at significant frequency in large population cohorts (gnomAD); In silico analysis supports that this missense variant has a deleterious effect on protein structure/function; Does not affect a cysteine or calcium-binding residue within an EGF-like domain or a TGF-binding protein domain of the FBN1 gene; cysteine substitutions in the EGF-like domains represent the majority of pathogenic missense changes associated with FBN1-related disorders (PMID: 12938084); This variant is associated with the following publications: (PMID: 17418587, 12938084)

Labcorp Genetics (formerly Invitae), Labcorp
Classification: Uncertain significance for Marfan syndrome; Familial thoracic aortic aneurysm and aortic dissection. Last evaluated: 2025-05-21. Review status: criteria provided, single submitter. Criteria: Invitae Variant Classification Sherloc (09022015). Collection method: clinical testing. Allele origin: germline.
Comment: This sequence change replaces glutamic acid, which is acidic and polar, with lysine, which is basic and polar, at codon 915 of the FBN1 protein (p.Glu915Lys). This variant is present in population databases (rs746834413, gnomAD 0.0009%). This missense change has been observed in individual(s) with an acute dissection of the aorta (PMID: 17418587). ClinVar contains an entry for this variant (Variation ID: 402849). Invitae Evidence Modeling of protein sequence and biophysical properties (such as structural, functional, and spatial information, amino acid conservation, physicochemical variation, residue mobility, and thermodynamic stability) indicates that this missense variant is not expected to disrupt FBN1 protein function with a negative predictive value of 95%. In summary, the available evidence is currently insufficient to determine the role of this variant in disease. Therefore, it has been classified as a Variant of Uncertain Significance.

All of Us Research Program, National Institutes of Health
Classification: Uncertain significance for Marfan syndrome. Last evaluated: 2024-07-10. Review status: criteria provided, single submitter. Criteria: ACMG Guidelines, 2015. Collection method: clinical testing. Allele origin: germline. Inheritance: Autosomal dominant inheritance. Observed: 5 variant alleles, 5 heterozygotes.
Comment: This missense variant replaces glutamic acid with lysine at codon 915 of the FBN1 protein. Computational prediction is inconclusive regarding the impact of this variant on protein structure and function (internally defined REVEL score threshold 0.5 < inconclusive < 0.7, PMID: 27666373). To our knowledge, functional studies have not been reported for this variant. This variant has been reported in an individual affected with thoracic aortic aneurysm and aortic dissection (PMID: 17418587). This variant has not been identified in the general population by the Genome Aggregation Database (gnomAD). The available evidence is insufficient to determine the role of this variant in disease conclusively. Therefore, this variant is classified as a Variant of Uncertain Significance.

This study involves interpretation of variants in research participants for the purpose of population health screening. Participant phenotype was not available at the time of variant classification. Additional details can be found in publication PMID: 35346344, PMCID: PMC8962531

Color Diagnostics, LLC DBA Color Health
Classification: Uncertain significance for Familial thoracic aortic aneurysm and aortic dissection. Last evaluated: 2024-06-20. Review status: criteria provided, single submitter. Criteria: ACMG Guidelines, 2015. Collection method: clinical testing. Allele origin: germline.
Comment: This missense variant replaces glutamic acid with lysine at codon 915 of the FBN1 protein. Computational prediction tools indicate that this variant has a deleterious impact on protein structure and function. To our knowledge, functional studies have not been reported for this variant. This variant has been reported in an individual affected with thoracic aortic aneurysm and aortic dissection (PMID: 17418587). This variant has not been identified in the general population by the Genome Aggregation Database (gnomAD). The available evidence is insufficient to determine the role of this variant in disease conclusively. Therefore, this variant is classified as a Variant of Uncertain Significance.

Pittsburgh Clinical Genomics Laboratory, University of Pittsburgh Medical Center
Classification: Uncertain significance for Weill-Marchesani syndrome 2, dominant. Last evaluated: 2023-12-04. Review status: criteria provided, single submitter. Criteria: ACMG Guidelines, 2015. Collection method: clinical testing. Allele origin: germline. Inheritance: Autosomal dominant inheritance. Affected: yes.
Comment: This sequence variant is a single nucleotide substitution (G>A) at coding position 2743 of the FBN1 gene that results in a glutamic acid to lysine amino acid change at residue 915 of the FBN1 encoded fibrillin-1 protein. The Glu915 residue falls in the fourteenth calcium-binding epidermal growth factor-like domain which is critical to the proper processing and secretion of fibrillin-1 (PMID: 10486319). This is a previously reported variant (ClinVar) that has been observed in an individual suspected of having a FBN1-related disorder (PMID: 17418587). This variant is absent from the gnomAD population database (0 of approximately 250,000 alleles). Multiple bioinformatic tools predict that this glutamic acid to lysine amino acid change would be damaging, and the glutamic acid residue is strongly conserved across the vertebrate species examined. Studies examining the functiol consequence of this variant have not been published, to our knowledge. At this time, there is insufficient evidence to determine if this variant is pathogenic or benign. Therefore, we consider this a variant of uncertain significance. ACMG Criteria: PM1, PM2, PP3

Fulgent Genetics
Classification: Uncertain significance for Acromicric dysplasia; Ectopia lentis 1, isolated, autosomal dominant; Marfan syndrome; Stiff skin syndrome; MASS syndrome; Weill-Marchesani syndrome 2, dominant; Geleophysic dysplasia 2; Progeroid and marfanoid aspect-lipodystrophy syndrome. Last evaluated: 2021-10-14. Review status: criteria provided, single submitter. Criteria: ACMG Guidelines, 2015. Collection method: clinical testing. Allele origin: unknown.

Laboratory for Molecular Medicine, Mass General Brigham Personalized Medicine
Classification: Uncertain significance. Last evaluated: 2016-07-26. Review status: criteria provided, single submitter. Criteria: LMM Criteria. Collection method: clinical testing. Allele origin: germline.
Comment: Variant identified in a genome or exome case(s) and assessed due to predicted null impact of the variant or pathogenic assertions in the literature or databases. Disclaimer: This variant has not undergone full assessment.

Literature cited by the submitters: PubMed 17418587 (cited by 4 submitters); PubMed 10486319 (cited by Pittsburgh Clinical Genomics Laboratory, University of Pittsburgh Medical Center).